The following is an entry in ClinVar:

NM_001267550.2(TTN):c.46387G>A (p.Gly15463Arg)

Genes: TTN (titin; minus strand), TTN-AS1 (TTN antisense RNA 1; plus strand). Cytogenetic location: 2q31.2.
Variant type: single nucleotide variant.
Coding change: c.46387G>A on transcript NM_001267550.2 (MANE Select); coding-DNA position 46387, G replaced by A.
Protein change: p.Gly15463Arg; replaces glycine 15463 with arginine.
Molecular consequence: missense variant. On other transcripts: non-coding transcript variant (1).
Genome position (GRCh38, 1-based): chr2:178,620,030, C>T on the plus strand (G>A on the coding strand, the complement: TTN is on the minus strand). VCF-style: chr2-178620030-C-T. GRCh37 (hg19) VCF-style: chr2-179484757-C-T.
Other names: p.G13822R:GGG>AGG; c.41464G>A, p.Gly13822Arg (NM_001256850.1); c.38683G>A, p.Gly12895Arg (NM_133378.4); c.19192G>A, p.Gly6398Arg (NM_003319.4); c.19567G>A, p.Gly6523Arg (NM_133432.3); c.19768G>A, p.Gly6590Arg (NM_133437.4); short protein forms G15463R, G12895R, G13822R, G6590R, G6523R, G6398R.
Identifiers: ClinVar variation 47000 (VCV000047000.52), dbSNP rs200042932, ClinGen allele CA139729.

ClinVar aggregate classification (germline): Conflicting classifications of pathogenicity. Review status: criteria provided, conflicting classifications (1 of 4 stars). 16 submissions from 12 submitters: Uncertain significance (8); Benign (2); Likely benign (6). Last evaluated 2025-05-28.

Conditions:
TTN-related disorder. Also called: TTN-related condition; TTN-related disease; TTN-related disorders.
Cardiovascular phenotype. Identifiers: MedGen CN230736.
Dilated cardiomyopathy 1G (CMD1G). Identifiers: Orphanet 154, MedGen C1858763, MONDO:0011400, OMIM 604145.
Autosomal recessive limb-girdle muscular dystrophy type 2J (LGMDR10). Also called: Limb-girdle muscular dystrophy, type 2J; MUSCULAR DYSTROPHY, LIMB-GIRDLE, AUTOSOMAL RECESSIVE 10. Identifiers: Orphanet 140922, MedGen C1837342, MONDO:0012127, OMIM 608807.
Early-onset myopathy with fatal cardiomyopathy (CMYO5). Also called: Salih Myopathy; CONGENITAL MYOPATHY 5 WITH CARDIOMYOPATHY. Identifiers: Orphanet 289377, MedGen C2673677, MONDO:0012714, OMIM 611705. Disease mechanism: loss of function.
Myopathy, myofibrillar, 9, with early respiratory failure (MFM9). Also called: Hereditary myopathy with early respiratory failure; Myopathy, distal, with early respiratory failure, autosomal dominant; EDSTROM MYOPATHY; MYOPATHY, PROXIMAL, WITH EARLY RESPIRATORY MUSCLE INVOLVEMENT. Identifiers: Orphanet 178464, Orphanet 34521, MedGen C1863599, MONDO:0011362, OMIM 603689.
Tibial muscular dystrophy (TMD). Also called: Udd Distal Myopathy – Tibial Muscular Dystrophy; Tibial muscular dystrophy, tardive; UDD MYOPATHY. Identifiers: Orphanet 609, MedGen C1838244, MONDO:0010870, OMIM 600334.

Allele frequency attached by ClinVar (database versions not stated): TOPMed 0.00024; gnomAD 0.00026 and 0.00028; gnomAD exomes 0.00029; 1000 Genomes Project 30x 0.00031; ExAC 0.00033; ESP Exome Variant Server 0.00034; 1000 Genomes Project 0.00040.
gnomAD v4.1: 709 of 1,611,770 alleles (0.044%); highest among the groups gnomAD compares: Non-Finnish European, 0.054%; no homozygotes.

Submissions (16):

PreventionGenetics, part of Exact Sciences
Classification: Likely benign for TTN-related condition. Last evaluated: 2025-05-28. Review status: criteria provided, single submitter. Criteria: ACMG Guidelines, 2015. Collection method: clinical testing. Allele origin: germline.
Comment: This variant is classified as likely benign based on ACMG/AMP sequence variant interpretation guidelines (Richards et al. 2015 PMID: 25741868, with internal and published modifications).

Revvity Omics, Revvity
Classification: Uncertain significance. Last evaluated: 2025-04-17. Review status: criteria provided, single submitter. Criteria: ACMG Guidelines, 2015. Collection method: clinical testing. Allele origin: germline.

Molecular Diagnostic Laboratory for Inherited Cardiovascular Disease, Montreal Heart Institute
Classification: Likely benign. Last evaluated: 2025-04-09. Review status: criteria provided, single submitter. Criteria: ACMG Guidelines, 2015. Collection method: clinical testing. Allele origin: germline. Affected: no.

Women's Health and Genetics/Laboratory Corporation of America, LabCorp
Classification: Likely benign. Last evaluated: 2024-12-20. Review status: criteria provided, single submitter. Criteria: LabCorp Variant Classification Summary - May 2015. Collection method: clinical testing. Allele origin: germline.
Comment: Variant summary: TTN c.38683G>A (p.Gly12895Arg) results in a non-conservative amino acid change located in the I-band domain of the encoded protein sequence. Three of four in-silico tools predict a damaging effect of the variant on protein function. The variant allele was found at a frequency of 0.00029 in 246698 control chromosomes, predominantly at a frequency of 0.00051 within the Non-Finnish European subpopulation in the gnomAD database. The observed variant frequency within Non-Finnish European control individuals in the gnomAD database is approximately 1.3 fold of the estimated maximal expected allele frequency for a pathogenic variant in TTN causing Dilated Cardiomyopathy phenotype (0.00039). To our knowledge, no occurrence of c.38683G>A in individuals affected with Dilated Cardiomyopathy and no experimental evidence demonstrating its impact on protein function have been reported. ClinVar contains an entry for this variant (Variation ID: 47000). Based on the evidence outlined above, the variant was classified as likely benign.

Blueprint Genetics
Classification: Likely benign. Last evaluated: 2024-11-11. Review status: criteria provided, single submitter. Criteria: ACMG Guidelines, 2015. Collection method: clinical testing. Allele origin: germline.

CeGaT Center for Human Genetics Tuebingen
Classification: Uncertain significance. Last evaluated: 2022-11-01. Review status: criteria provided, single submitter. Criteria: CeGaT Center For Human Genetics Tuebingen Variant Classification Criteria Version 2. Collection method: clinical testing. Allele origin: germline. Affected: yes. Observed: 1 variant allele.

GeneDx
Classification: Likely benign. Last evaluated: 2021-03-02. Review status: criteria provided, single submitter. Criteria: GeneDx Variant Classification Process June 2021. Collection method: clinical testing. Allele origin: germline. Affected: yes.
Comment: This variant is associated with the following publications: (PMID: 26265630, 21810661)

Ambry Genetics
Classification: Likely benign for Cardiovascular phenotype. Last evaluated: 2019-07-29. Review status: criteria provided, single submitter. Criteria: Ambry Variant Classification Scheme 2023. Collection method: clinical testing. Allele origin: germline.

Illumina Laboratory Services, Illumina
Classification: Uncertain significance for Early-onset myopathy with fatal cardiomyopathy. Last evaluated: 2018-01-13. Review status: criteria provided, single submitter. Criteria: ICSL Variant Classification Criteria 13 December 2019. Collection method: clinical testing. Allele origin: germline.

Illumina Laboratory Services, Illumina
Classification: Uncertain significance for Dilated cardiomyopathy 1G. Last evaluated: 2018-01-13. Review status: criteria provided, single submitter. Criteria: ICSL Variant Classification Criteria 13 December 2019. Collection method: clinical testing. Allele origin: germline.

Illumina Laboratory Services, Illumina
Classification: Uncertain significance for Autosomal recessive limb-girdle muscular dystrophy type 2J. Last evaluated: 2018-01-13. Review status: criteria provided, single submitter. Criteria: ICSL Variant Classification Criteria 13 December 2019. Collection method: clinical testing. Allele origin: germline.

Illumina Laboratory Services, Illumina
Classification: Benign for Tibial muscular dystrophy. Last evaluated: 2018-01-13. Review status: criteria provided, single submitter. Criteria: ICSL Variant Classification Criteria 13 December 2019. Collection method: clinical testing. Allele origin: germline.
Comment: This variant was observed in the ICSL laboratory as part of a predisposition screen in an ostensibly healthy population. It had not been previously curated by ICSL or reported in the Human Gene Mutation Database (HGMD: prior to June 1st, 2018), and was therefore a candidate for classification through an automated scoring system. Utilizing variant allele frequency, disease prevalence and penetrance estimates, and inheritance mode, an automated score was calculated to assess if this variant is too frequent to cause the disease. Based on the score and internal cut-off values, a variant classified as benign is not then subjected to further curation. The score for this variant resulted in a classification of benign for this disease.

Illumina Laboratory Services, Illumina
Classification: Benign for Myopathy, myofibrillar, 9, with early respiratory failure. Last evaluated: 2018-01-13. Review status: criteria provided, single submitter. Criteria: ICSL Variant Classification Criteria 13 December 2019. Collection method: clinical testing. Allele origin: germline.
Comment: the same text as in the submission from Illumina Laboratory Services, Illumina above.

Labcorp Genetics (formerly Invitae), Labcorp
Classification: Uncertain significance for Dilated cardiomyopathy 1G; Autosomal recessive limb-girdle muscular dystrophy type 2J. Last evaluated: 2017-11-28. Review status: criteria provided, single submitter. Criteria: Invitae Variant Classification Sherloc (09022015). Collection method: clinical testing. Allele origin: germline.

Eurofins Ntd Llc (ga)
Classification: Uncertain significance. Last evaluated: 2017-02-03. Review status: criteria provided, single submitter. Criteria: EGL Classification Definitions 2015. Collection method: clinical testing. Allele origin: germline. Observed: 4 variant alleles, 4 heterozygotes.

Laboratory for Molecular Medicine, Mass General Brigham Personalized Medicine
Classification: Uncertain significance. Last evaluated: 2013-03-27. Review status: criteria provided, single submitter. Criteria: LMM Criteria. Collection method: clinical testing. Allele origin: germline. Observed: 2 variant alleles.
Comment: This variant has been identified in 3/8228 European American chromosomes f rom a broad population by the NHLBI Exome Sequencing Project (dbSNP rs200042932). Computational analyses (biochemical amino a cid properties, conservation, AlignGVGD, PolyPhen2, and SIFT) suggest that the G ly12895Arg variant may impact the protein, though this information is not predic tive enough to determine pathogenicity. In summary, additional information is ne eded to fully assess the clinical significance of the Gly12895Arg variant.

Literature cited by the submitters: PubMed 24503780 (cited by Ambry Genetics); PubMed 26265630 (cited by Ambry Genetics); PubMed 27854218 (cited by Ambry Genetics); PubMed 21810661 (cited by Laboratory for Molecular Medicine, Mass General Brigham Personalized Medicine).